The following is an entry in ClinVar:

ClinVar aggregate classification (germline): Likely benign. Review status: criteria provided, single submitter (1 of 4 stars). 2 submissions from 2 submitters: Likely benign (1). 1 of the submissions does not count toward it. Last evaluated 2024-12-31.

Conditions:
IFT74-related disorder. Also called: IFT74-Related Disorders; IFT74-related condition.

gnomAD v4.1: 3 of 1,511,170 alleles (0.0002%); highest among the groups gnomAD compares: Non-Finnish European, 0.00027%; no homozygotes.

Submissions (2):

Labcorp Genetics (formerly Invitae), Labcorp
Classification: Likely benign. Last evaluated: 2024-12-31. Review status: criteria provided, single submitter. Criteria: Invitae Variant Classification Sherloc (09022015). Collection method: clinical testing. Allele origin: germline.

PreventionGenetics, part of Exact Sciences
Classification: Likely benign for IFT74-related condition. Last evaluated: 2022-01-24. Review status: no assertion criteria provided. Collection method: clinical testing. Allele origin: germline. Not counted in ClinVar's aggregate classification.
Comment: This variant is classified as likely benign based on ACMG/AMP sequence variant interpretation guidelines (Richards et al. 2015 PMID: 25741868, with internal and published modifications).

NM_025103.4(IFT74):c.974+7A>G

Gene: IFT74 (intraflagellar transport 74; plus strand). Cytogenetic location: 9p21.2.
Variant type: single nucleotide variant.
Coding change: c.974+7A>G on transcript NM_025103.4 (MANE Select); 7 bases into the intron after coding-DNA position 974, A replaced by G.
Molecular consequence: intron variant.
Genome position (GRCh38, 1-based): chr9:27,018,694, A>G. VCF-style: chr9-27018694-A-G. GRCh37 (hg19) VCF-style: chr9-27018692-A-G.
Other names: c.974+7A>G (NM_001099223.3, NM_001099222.3, NM_001349928.2 and 1 more transcripts).
Identifiers: ClinVar variation 3351034 (VCV003351034.3).
Genomic context (GRCh38, chr9:27,018,694, plus strand): 5'-TATGCCTTTGTAGATTAAAGATGATAATCAGGAAATAGCCAGCATGGAAAGACAGTAAGT[A>G]TCTTTATACTAGGACATTTTACATCCATTTCTCACTTTAAAAATTACATTCTAAAGGTAC-3'